The following is an entry in ClinVar:

NC_000009.12:g.35658040_35658043del

Gene: RMRP (RNA component of mitochondrial RNA processing endoribonuclease; minus strand). Cytogenetic location: 9p13.3.
Variant type: Deletion.
Genome position: GRCh38 VCF-style: chr9-35658039-TAGTA-T. GRCh37 (hg19) VCF-style: chr9-35658036-TAGTA-T.
Identifiers: ClinVar variation 2135159 (VCV002135159.3), dbSNP rs2490604527, ClinGen allele CA2580080483.

ClinVar aggregate classification (germline): Uncertain significance (1 of 4 stars; one submission).

Conditions:
Anauxetic dysplasia. Identifiers: Orphanet 93347, MedGen C1846796, MONDO:0011773.

Submission:

Labcorp Genetics (formerly Invitae), Labcorp
Classification: Uncertain significance for Anauxetic dysplasia. Last evaluated: 2024-04-30. Review status: criteria provided, single submitter. Criteria: Invitae Variant Classification Sherloc (09022015). Collection method: clinical testing. Allele origin: germline.
Comment: This variant occurs in the RMRP gene, which encodes an RNA molecule that does not result in a protein product. This variant is not present in population databases (gnomAD no frequency). This variant has not been reported in the literature in individuals affected with RMRP-related conditions. Experimental studies and prediction algorithms are not available or were not evaluated, and the functional significance of this variant is currently unknown. In summary, the available evidence is currently insufficient to determine the role of this variant in disease. Therefore, it has been classified as a Variant of Uncertain Significance.